The following is an entry in ClinVar:

ClinVar aggregate classification (germline): Likely benign (1 of 4 stars; one submission).

gnomAD v4.1: 2 of 1,614,148 alleles (0.00012%); highest among the groups gnomAD compares: Non-Finnish European, 0.00017%; no homozygotes.

Submission:

Women's Health and Genetics/Laboratory Corporation of America, LabCorp
Classification: Likely benign. Last evaluated: 2026-04-21. Review status: criteria provided, single submitter. Criteria: LabCorp Variant Classification Summary - May 2015. Collection method: clinical testing. Allele origin: germline.
Comment: Variant summary: MYH11 c.585G>T alters a conserved nucleotide resulting in a synonymous change. Consensus agreement among computation tools predict no significant impact on normal splicing. However, these predictions have yet to be confirmed by functional studies. The variant allele was found at a frequency of 4e-06 in 251412 control chromosomes. The available data on variant occurrences in the general population are insufficient to allow any conclusion about variant significance. To our knowledge, no occurrence of c.585G>T in individuals affected with MYH11-related conditions and no experimental evidence demonstrating its impact on protein function have been reported. No submitters have cited clinical-significance assessments for this variant to ClinVar. Based on the evidence outlined above, the variant was classified as likely benign.

NM_002474.3(MYH11):c.585G>T (p.Leu195=)

Gene: MYH11 (myosin heavy chain 11; minus strand). Cytogenetic location: 16p13.11.
Variant type: single nucleotide variant.
Coding change: c.585G>T on transcript NM_002474.3 (MANE Select); coding-DNA position 585, G replaced by T.
Protein change: p.Leu195=; no amino-acid change (leucine 195 retained).
Molecular consequence: synonymous variant.
Genome position (GRCh38, 1-based): chr16:15,786,678, C>A on the plus strand (G>T on the coding strand, the complement: MYH11 is on the minus strand). VCF-style: chr16-15786678-C-A. GRCh37 (hg19) VCF-style: chr16-15880535-C-A.
Other names: c.585G>T, p.Leu195= (NM_001040113.2, NM_001040114.2, NM_022844.3).
Identifiers: ClinVar variation 4848348 (VCV004848348.1).